The following is an entry in ClinVar:

NM_019023.5(PRMT7):c.1945G>A (p.Val649Ile)

Gene: PRMT7 (protein arginine methyltransferase 7; plus strand). Cytogenetic location: 16q22.1.
Variant type: single nucleotide variant.
Coding change: c.1945G>A on transcript NM_019023.5 (MANE Select); coding-DNA position 1945, G replaced by A.
Protein change: p.Val649Ile; replaces valine 649 with isoleucine.
Molecular consequence: missense variant. On other transcripts: non-coding transcript variant (12).
Genome position (GRCh38, 1-based): chr16:68,357,090, G>A. VCF-style: chr16-68357090-G-A. GRCh37 (hg19) VCF-style: chr16-68390993-G-A.
Other names: c.1945G>A (NM_019023.4); c.1795G>A, p.Val599Ile (NM_001184824.4); c.1945G>A, p.Val649Ile (NM_001290018.2, NM_001351143.3, NM_001378018.1); c.1948G>A, p.Val650Ile (NM_001351144.3); c.1738G>A, p.Val580Ile (NM_001378020.1); c.1708G>A, p.Val570Ile (NM_001378021.1, NM_001378022.1, NM_001378023.1); short protein forms V599I, V649I, V650I, V570I, V580I.
Identifiers: ClinVar variation 715535 (VCV000715535.14), dbSNP rs143131470, ClinGen allele CA8127717.

ClinVar aggregate classification (germline): Conflicting classifications of pathogenicity. Review status: criteria provided, conflicting classifications (1 of 4 stars). 3 submissions from 3 submitters: Uncertain significance (1); Likely benign (1). 1 of the submissions does not count toward it. Last evaluated 2025-06-15.

Conditions:
PRMT7-related disorder. Also called: PRMT7-related condition.
Short stature-brachydactyly-obesity-global developmental delay syndrome. Also called: SHORT STATURE, BRACHYDACTYLY, IMPAIRED INTELLECTUAL DEVELOPMENT, AND SEIZURES; Short stature, brachydactyly, intellectual developmental disability, and seizures. Identifiers: Orphanet 464288, MedGen C4310689, MONDO:0014944, OMIM 617157.

Allele frequency attached by ClinVar (database versions not stated): ESP Exome Variant Server 0.00015; TOPMed 0.00020; gnomAD 0.00022 and 0.00028; ExAC 0.00036; gnomAD exomes 0.00036; 1000 Genomes Project 30x 0.00109; 1000 Genomes Project 0.00120.
gnomAD v4.1: 219 of 1,612,956 alleles (0.014%); highest among the groups gnomAD compares: East Asian, 0.24%; 1 homozygote.

Submissions (3):

Labcorp Genetics (formerly Invitae), Labcorp
Classification: Likely benign. Last evaluated: 2025-06-15. Review status: criteria provided, single submitter. Criteria: Invitae Variant Classification Sherloc (09022015). Collection method: clinical testing. Allele origin: germline.

Revvity Omics, Revvity
Classification: Uncertain significance for Short stature-brachydactyly-obesity-global developmental delay syndrome. Last evaluated: 2022-03-08. Review status: criteria provided, single submitter. Criteria: ACMG Guidelines, 2015. Collection method: clinical testing. Allele origin: germline.

PreventionGenetics, part of Exact Sciences
Classification: Likely benign for PRMT7-related condition. Last evaluated: 2023-06-08. Review status: no assertion criteria provided. Collection method: clinical testing. Allele origin: germline. Not counted in ClinVar's aggregate classification.
Comment: This variant is classified as likely benign based on ACMG/AMP sequence variant interpretation guidelines (Richards et al. 2015 PMID: 25741868, with internal and published modifications).